The following is an entry in ClinVar:

NM_177438.3(DICER1):c.703G>C (p.Glu235Gln)

Gene: DICER1 (dicer 1, ribonuclease III; minus strand). Cytogenetic location: 14q32.13.
Variant type: single nucleotide variant.
Coding change: c.703G>C on transcript NM_177438.3 (MANE Select); coding-DNA position 703, G replaced by C.
Protein change: p.Glu235Gln; replaces glutamic acid 235 with glutamine.
Molecular consequence: missense variant. On other transcripts: 5 prime UTR variant (1), non-coding transcript variant (6).
Genome position (GRCh38, 1-based): chr14:95,129,503, C>G on the plus strand (G>C on the coding strand, the complement: DICER1 is on the minus strand). VCF-style: chr14-95129503-C-G. GRCh37 (hg19) VCF-style: chr14-95595840-C-G.
Other names: c.298G>C, p.Glu100Gln (NM_001395689.1, NM_001395690.1, NM_001395696.1 and 3 more transcripts); c.136G>C, p.Glu46Gln (NM_001395691.1); c.703G>C, p.Glu235Gln (NM_001395692.1, NM_001395693.1, NM_001395694.1 and 14 more transcripts); c.-866G>C (NM_001395697.1); c.421G>C, p.Glu141Gln (NM_001395686.1); short protein forms E235Q, E46Q, E141Q, E100Q.
Identifiers: ClinVar variation 4746770 (VCV004746770.1).

ClinVar aggregate classification (germline): Uncertain significance (1 of 4 stars; one submission).

Conditions:
DICER1-related tumor predisposition. Also called: DICER1-related pleuropulmonary blastoma cancer predisposition syndrome; DICER1 syndrome. Identifiers: Orphanet 284343, MedGen C3839822, MONDO:0100216.

Submission:

Labcorp Genetics (formerly Invitae), Labcorp
Classification: Uncertain significance for DICER1-related tumor predisposition. Last evaluated: 2025-12-22. Review status: criteria provided, single submitter. Criteria: Invitae Variant Classification Sherloc (09022015). Collection method: clinical testing. Allele origin: germline.
Comment: This sequence change replaces glutamic acid, which is acidic and polar, with glutamine, which is neutral and polar, at codon 235 of the DICER1 protein (p.Glu235Gln). This variant is not present in population databases (gnomAD no frequency). This variant has not been reported in the literature in individuals affected with DICER1-related conditions. Invitae Evidence Modeling of protein sequence and biophysical properties (such as structural, functional, and spatial information, amino acid conservation, physicochemical variation, residue mobility, and thermodynamic stability) indicates that this missense variant is not expected to disrupt DICER1 protein function with a negative predictive value of 95%. In summary, the available evidence is currently insufficient to determine the role of this variant in disease. Therefore, it has been classified as a Variant of Uncertain Significance.